The following is an entry in ClinVar:

NM_001083962.2(TCF4):c.160A>T (p.Ser54Cys)

Genes: TCF4 (transcription factor 4; minus strand), TCF4-AS1 (TCF4 antisense RNA 1; plus strand). Cytogenetic location: 18q21.2.
Variant type: single nucleotide variant.
Coding change: c.160A>T on transcript NM_001083962.2 (MANE Select); coding-DNA position 160, A replaced by T.
Protein change: p.Ser54Cys; replaces serine 54 with cysteine.
Molecular consequence: missense variant.
Genome position (GRCh38, 1-based): chr18:55,464,123, T>A on the plus strand (A>T on the coding strand, the complement: TCF4 is on the minus strand). VCF-style: chr18-55464123-T-A. GRCh37 (hg19) VCF-style: chr18-53131354-T-A.
Other names: c.160A>T (NM_001083962.1); c.154A>T, p.Ser52Cys (NM_001243230.2); c.34A>T, p.Ser12Cys (NM_001243231.2, NM_001348211.2); c.88A>T, p.Ser30Cys (NM_001306207.1, NM_001348217.1, NM_001348218.2 and 15 more transcripts); c.160A>T, p.Ser54Cys (NM_001330604.3, NM_001369567.1, NM_001243228.2 and 8 more transcripts); c.466A>T, p.Ser156Cys (NM_001243226.3); short protein forms S12C, S156C, S54C, S30C, S52C.
Identifiers: ClinVar variation 3013491 (VCV003013491.4), dbSNP rs2095948260, ClinGen allele CA402703767.

ClinVar aggregate classification (germline): Uncertain significance. Review status: criteria provided, multiple submitters, no conflicts (2 of 4 stars). 2 submissions from 2 submitters: Uncertain significance (2). Last evaluated 2025-08-18.

Conditions:
Pitt-Hopkins syndrome (PTHS). Also called: ENCEPHALOPATHY, SEVERE EPILEPTIC, WITH AUTONOMIC DYSFUNCTION; MENTAL RETARDATION, SYNDROMAL, WITH INTERMITTENT HYPERVENTILATION. Identifiers: Orphanet 2896, MedGen C1970431, MONDO:0012589, OMIM 610954.

Submissions (2):

Labcorp Genetics (formerly Invitae), Labcorp
Classification: Uncertain significance for Pitt-Hopkins syndrome. Last evaluated: 2025-08-18. Review status: criteria provided, single submitter. Criteria: Invitae Variant Classification Sherloc (09022015). Collection method: clinical testing. Allele origin: germline.
Comment: This sequence change replaces serine, which is neutral and polar, with cysteine, which is neutral and slightly polar, at codon 54 of the TCF4 protein (p.Ser54Cys). This variant is not present in population databases (gnomAD no frequency). This variant has not been reported in the literature in individuals affected with TCF4-related conditions. ClinVar contains an entry for this variant (Variation ID: 3013491). Invitae Evidence Modeling of protein sequence and biophysical properties (such as structural, functional, and spatial information, amino acid conservation, physicochemical variation, residue mobility, and thermodynamic stability) indicates that this missense variant is not expected to disrupt TCF4 protein function with a negative predictive value of 80%. In summary, the available evidence is currently insufficient to determine the role of this variant in disease. Therefore, it has been classified as a Variant of Uncertain Significance.

GeneDx
Classification: Uncertain significance. Last evaluated: 2024-09-09. Review status: criteria provided, single submitter. Criteria: GeneDx Variant Classification Process June 2021. Collection method: clinical testing. Allele origin: germline. Affected: yes.
Comment: Not observed at significant frequency in large population cohorts (gnomAD); In silico analysis supports that this missense variant has a deleterious effect on protein structure/function; Has not been previously published as pathogenic or benign to our knowledge